The following is an entry in ClinVar:

ClinVar aggregate classification (germline): Uncertain significance. Review status: criteria provided, multiple submitters, no conflicts (2 of 4 stars). 3 submissions from 3 submitters: Uncertain significance (3). Last evaluated 2025-06-01.

Conditions:
Inborn genetic diseases. Identifiers: MedGen C0950123, MeSH D030342.

Allele frequency attached by ClinVar (database versions not stated): ExAC 0.00001; TOPMed 0.00001.
gnomAD v4.1: 12 of 1,614,010 alleles (0.00074%); highest among the groups gnomAD compares: Non-Finnish European, 0.00093%; no homozygotes.

Submissions (3):

Labcorp Genetics (formerly Invitae), Labcorp
Classification: Uncertain significance. Last evaluated: 2025-06-01. Review status: criteria provided, single submitter. Criteria: Invitae Variant Classification Sherloc (09022015). Collection method: clinical testing. Allele origin: germline.
Comment: This sequence change replaces glutamic acid, which is acidic and polar, with glycine, which is neutral and non-polar, at codon 391 of the TNNI3K protein (p.Glu391Gly). This variant is not present in population databases (gnomAD no frequency). This variant has not been reported in the literature in individuals affected with TNNI3K-related conditions. ClinVar contains an entry for this variant (Variation ID: 1380594). Invitae Evidence Modeling of protein sequence and biophysical properties (such as structural, functional, and spatial information, amino acid conservation, physicochemical variation, residue mobility, and thermodynamic stability) indicates that this missense variant is not expected to disrupt TNNI3K protein function with a negative predictive value of 80%. In summary, the available evidence is currently insufficient to determine the role of this variant in disease. Therefore, it has been classified as a Variant of Uncertain Significance.

Ambry Genetics
Classification: Uncertain significance for Inborn genetic diseases. Last evaluated: 2024-06-03. Review status: criteria provided, single submitter. Criteria: Ambry Variant Classification Scheme 2023. Collection method: clinical testing. Allele origin: germline.

Mayo Clinic Laboratories, Mayo Clinic
Classification: Uncertain significance. Last evaluated: 2023-08-18. Review status: criteria provided, single submitter. Criteria: ACMG Guidelines, 2015. Collection method: clinical testing. Allele origin: germline. Observed: 1 variant allele.
Comment: PM2

NM_015978.3(TNNI3K):c.1172A>G (p.Glu391Gly)

Genes: FPGT-TNNI3K (FPGT-TNNI3K readthrough; plus strand), TNNI3K (TNNI3 interacting kinase; plus strand). Cytogenetic location: 1p31.1.
Variant type: single nucleotide variant.
Coding change: c.1172A>G on transcript NM_015978.3 (MANE Select); coding-DNA position 1172, A replaced by G.
Protein change: p.Glu391Gly; replaces glutamic acid 391 with glycine.
Molecular consequence: missense variant.
Genome position (GRCh38, 1-based): chr1:74,354,124, A>G. VCF-style: chr1-74354124-A-G. GRCh37 (hg19) VCF-style: chr1-74819808-A-G.
Other names: p.Glu391Gly; c.1475A>G, p.Glu492Gly (NM_001112808.3, NM_001199327.2); short protein forms E492G, E391G.
Identifiers: ClinVar variation 1380594 (VCV001380594.10), dbSNP rs200745780, ClinGen allele CA909172.